The following is an entry in ClinVar:

NM_000540.3(RYR1):c.9283T>A (p.Phe3095Ile)

Gene: RYR1 (ryanodine receptor 1; plus strand). Cytogenetic location: 19q13.2.
Variant type: single nucleotide variant.
Coding change: c.9283T>A on transcript NM_000540.3 (MANE Select); coding-DNA position 9283, T replaced by A.
Protein change: p.Phe3095Ile; replaces phenylalanine 3095 with isoleucine.
Molecular consequence: missense variant.
Genome position (GRCh38, 1-based): chr19:38,512,294, T>A. VCF-style: chr19-38512294-T-A. GRCh37 (hg19) VCF-style: chr19-39002934-T-A.
Other names: c.9283T>A, p.Phe3095Ile (NM_001042723.2); short protein forms F3095I.
Identifiers: ClinVar variation 5009656 (VCV005009656.1).

ClinVar aggregate classification (germline): Uncertain significance (1 of 4 stars; one submission).

Submission:

GeneDx
Classification: Uncertain significance. Last evaluated: 2026-02-19. Review status: criteria provided, single submitter. Criteria: GeneDx Variant Classification Process June 2021. Collection method: clinical testing. Allele origin: germline.
Comment: Not observed at significant frequency in large population cohorts (gnomAD); In silico analysis supports that this missense variant has a deleterious effect on protein structure/function; Has not been previously published as pathogenic or benign to our knowledge; This variant is associated with the following publications: (PMID: 12668474)